The following is an entry in ClinVar:

ClinVar aggregate classification (germline): Benign/Likely benign. Review status: criteria provided, multiple submitters, no conflicts (2 of 4 stars). 5 submissions from 5 submitters: Benign (4); Likely benign (1). Last evaluated 2026-01-26.

Conditions:
Type 2 diabetes mellitus. Also called: Type II diabetes mellitus. Identifiers: MedGen C0011860, MeSH D003924, MONDO:0005148, OMIM 125853, HP:0005978.
Hypopigmentation-punctate palmoplantar keratoderma syndrome. Also called: GUTTATE HYPOPIGMENTATION AND PUNCTATE PALMOPLANTAR KERATODERMA WITH OR WITHOUT ECTOPIC CALCIFICATION; Cole disease. Identifiers: Orphanet 324561, MedGen C3809781, MONDO:0014227, OMIM 615522.
Arterial calcification, generalized, of infancy, 1 (GACI1). Also called: Idiopathic Infantile Arterial Calcification. Identifiers: Orphanet 51608, MedGen C4551985, MONDO:0008817, OMIM 208000.
Obesity. Also called: Obesity disorder. Identifiers: Orphanet 71529, MedGen C0028754, MeSH D009765, MONDO:0011122, HP:0001513.
Hypophosphatemic rickets, autosomal recessive, 2 (ARHR2). Identifiers: Orphanet 289176, MedGen C2750078, MONDO:0013219, OMIM 613312.

Submissions (5):

Labcorp Genetics (formerly Invitae), Labcorp
Classification: Benign. Last evaluated: 2026-01-26. Review status: criteria provided, single submitter. Criteria: Invitae Variant Classification Sherloc (09022015). Collection method: clinical testing. Allele origin: germline.

Mayo Clinic Laboratories, Mayo Clinic
Classification: Benign. Last evaluated: 2024-10-01. Review status: criteria provided, single submitter. Criteria: ACMG Guidelines, 2015. Collection method: clinical testing. Allele origin: germline. Observed: 3 variant alleles.
Comment: BS1, BS2, BP7

Fulgent Genetics
Classification: Likely benign for Type 2 diabetes mellitus; Arterial calcification, generalized, of infancy, 1; Inherited obesity; Hypophosphatemic rickets, autosomal recessive, 2; Hypopigmentation-punctate palmoplantar keratoderma syndrome. Last evaluated: 2021-08-12. Review status: criteria provided, single submitter. Criteria: ACMG Guidelines, 2015. Collection method: clinical testing. Allele origin: unknown.

Genetic Services Laboratory, University of Chicago
Classification: Benign. Last evaluated: 2018-08-01. Review status: criteria provided, single submitter. Criteria: ACMG Guidelines, 2015. Collection method: clinical testing. Allele origin: germline. Affected: no.

Eurofins Ntd Llc (ga)
Classification: Benign. Last evaluated: 2017-01-09. Review status: criteria provided, single submitter. Criteria: EGL Classification Definitions 2015. Collection method: clinical testing. Allele origin: germline. Observed: 2 variant alleles, 1 heterozygote.

NM_006208.3(ENPP1):c.1437+9_1437+12del

Gene: ENPP1 (ectonucleotide pyrophosphatase/phosphodiesterase 1; plus strand). Cytogenetic location: 6q23.2.
Variant type: Deletion.
Coding change: c.1437+9_1437+12del on transcript NM_006208.3 (MANE Select); bases 9 to 12 of the intron after coding-DNA position 1437, 4 bases deleted (CTTT; older notation c.1437+9_1437+12delCTTT).
Molecular consequence: intron variant.
Genome position (GRCh38, 1-based): chr6:131,872,110-131,872,113, CTTT deleted; deleting any 4 consecutive bases within chr6:131,872,109-131,872,113 gives the same sequence; the c. name uses the placement nearest the transcript's 3' end. VCF-style (leftmost placement, unchanged base first): chr6-131872108-ATCTT-A. GRCh37 (hg19) VCF-style: chr6-132193248-ATCTT-A.
Other names: p.?.
Identifiers: ClinVar variation 284959 (VCV000284959.21), dbSNP rs376640801, ClinGen allele CA4002212.
Genomic context (GRCh38, chr6:131,872,108, plus strand): 5'-TCTTATGTTTGTTCCCCTCCAGTTAACTATGAAGGCATTGCCCGAAATCTTTCTGTGAGT[ATCTT>A]TATTTTCCATTATCTAGTTATTTTTACTTTTGTATAATATATATTGAGAGAAAAGTTTCA-3'